The following is an entry in ClinVar:

NM_000435.3(NOTCH3):c.6300G>A (p.Ser2100=)

Gene: NOTCH3 (notch receptor 3; minus strand). Cytogenetic location: 19p13.12.
Variant type: single nucleotide variant.
Coding change: c.6300G>A on transcript NM_000435.3 (MANE Select); coding-DNA position 6300, G replaced by A.
Protein change: p.Ser2100=; no amino-acid change (serine 2100 retained).
Molecular consequence: synonymous variant.
Genome position (GRCh38, 1-based): chr19:15,161,328, C>T on the plus strand (G>A on the coding strand, the complement: NOTCH3 is on the minus strand). VCF-style: chr19-15161328-C-T. GRCh37 (hg19) VCF-style: chr19-15272139-C-T.
Other names: p.Ser2100=.
Identifiers: ClinVar variation 720564 (VCV000720564.11), dbSNP rs183839795, ClinGen allele CA9262386.
Genomic context (GRCh38, chr19:15,161,328, plus strand): 5'-GCCACCAGGGGAAGCAGGGGGCCCACCGAAAGGCCGCGGGGAGTCCAGCGAGTCCACGGG[C>T]GACAGCGTGACCGAGCTGTCAGCCAGGGGGCCCGGGCAGGCCAGCGTCAGCTTCTTGCCC-3'
Protein context (NP_000426.2, residues 2090-2110): GPLADSSVTL[Ser2100=]PVDSLDSPRP

ClinVar aggregate classification (germline): Benign/Likely benign. Review status: criteria provided, multiple submitters, no conflicts (2 of 4 stars). 4 submissions from 4 submitters: Benign (1); Likely benign (3). Last evaluated 2025-12-23.

Allele frequency attached by ClinVar (database versions not stated): TOPMed 0.00010; gnomAD 0.00013; gnomAD exomes 0.00014; ExAC 0.00023; 1000 Genomes Project 0.00060; 1000 Genomes Project 30x 0.00062.
gnomAD v4.1: 100 of 1,524,922 alleles (0.0066%); highest among the groups gnomAD compares: Middle Eastern, 0.13%; no homozygotes.

Submissions (4):

Labcorp Genetics (formerly Invitae), Labcorp
Classification: Likely benign. Last evaluated: 2025-12-23. Review status: criteria provided, single submitter. Criteria: Invitae Variant Classification Sherloc (09022015). Collection method: clinical testing. Allele origin: germline.

Mayo Clinic Laboratories, Mayo Clinic
Classification: Likely benign. Last evaluated: 2025-02-10. Review status: criteria provided, single submitter. Criteria: ACMG Guidelines, 2015. Collection method: clinical testing. Allele origin: germline. Observed: 1 variant allele.
Comment: BS2, BP4, BP7

Blueprint Genetics
Classification: Likely benign. Last evaluated: 2024-10-22. Review status: criteria provided, single submitter. Criteria: ACMG Guidelines, 2015. Collection method: clinical testing. Allele origin: germline.

Athena Diagnostics
Classification: Benign. Last evaluated: 2019-10-15. Review status: criteria provided, single submitter. Criteria: Athena Diagnostics Criteria. Collection method: clinical testing. Allele origin: unknown.